The following is an entry in ClinVar:

ClinVar aggregate classification (germline): Uncertain significance. Review status: criteria provided, multiple submitters, no conflicts (2 of 4 stars). 3 submissions from 3 submitters: Uncertain significance (3). Last evaluated 2025-08-31.

Conditions:
Epidermolysis bullosa simplex with nail dystrophy (EBS5D). Identifiers: MedGen C4225309, MONDO:0014661, OMIM 616487.
Epidermolysis bullosa simplex 5B, with muscular dystrophy (EBS5B). Also called: EPIDERMOLYSIS BULLOSA SIMPLEX AND LIMB-GIRDLE MUSCULAR DYSTROPHY; Epidermolysis bullosa simplex with muscular dystrophy. Identifiers: Orphanet 257, MedGen C2931072, MONDO:0009181, OMIM 226670.
Epidermolysis bullosa simplex 5C, with pyloric atresia (EBS5C). Also called: PLEC-Related Epidermolysis Bullosa with Pyloric Atresia; Epidermolysis bullosa simplex with pyloric atresia; PLEC1-Related Epidermolysis Bullosa with Pyloric Atresia. Identifiers: Orphanet 158684, MedGen C2677349, MONDO:0012807, OMIM 612138.
Autosomal recessive limb-girdle muscular dystrophy type 2Q (LGMDR17). Also called: MUSCULAR DYSTROPHY, LIMB-GIRDLE, AUTOSOMAL RECESSIVE 17. Identifiers: Orphanet 254361, MedGen C3150989, MONDO:0013390, OMIM 613723.
Epidermolysis bullosa simplex, Ogna type (EBS5A). Also called: Pidermolysis bullosa simplex 5A, Ogna type; EPIDERMOLYSIS BULLOSA SIMPLEX 5A, OGNA TYPE. Identifiers: Orphanet 79401, MedGen C0432317, MONDO:0007555, OMIM 131950.
Inborn genetic diseases. Identifiers: MedGen C0950123, MeSH D030342.

Allele frequency attached by ClinVar (database versions not stated): gnomAD exomes 0.00001; gnomAD 0.00003; TOPMed 0.00003.
gnomAD v4.1: 15 of 1,613,064 alleles (0.00093%); highest among the groups gnomAD compares: African/African-American, 0.0027%; no homozygotes.

Submissions (3):

Ambry Genetics
Classification: Uncertain significance for Inborn genetic diseases. Last evaluated: 2025-08-31. Review status: criteria provided, single submitter. Criteria: Ambry Variant Classification Scheme 2023. Collection method: clinical testing. Allele origin: germline.

Mayo Clinic Laboratories, Mayo Clinic
Classification: Uncertain significance. Last evaluated: 2024-06-03. Review status: criteria provided, single submitter. Criteria: ACMG Guidelines, 2015. Collection method: clinical testing. Allele origin: germline. Observed: 1 variant allele.
Comment: PM2

Labcorp Genetics (formerly Invitae), Labcorp
Classification: Uncertain significance for Autosomal recessive limb-girdle muscular dystrophy type 2Q; Epidermolysis bullosa simplex, Ogna type; Epidermolysis bullosa simplex with nail dystrophy; Epidermolysis bullosa simplex 5C, with pyloric atresia; Epidermolysis bullosa simplex 5B, with muscular dystrophy. Last evaluated: 2023-08-17. Review status: criteria provided, single submitter. Criteria: Invitae Variant Classification Sherloc (09022015). Collection method: clinical testing. Allele origin: germline.
Comment: In summary, the available evidence is currently insufficient to determine the role of this variant in disease. Therefore, it has been classified as a Variant of Uncertain Significance. Advanced modeling of protein sequence and biophysical properties (such as structural, functional, and spatial information, amino acid conservation, physicochemical variation, residue mobility, and thermodynamic stability) performed at Invitae indicates that this missense variant is not expected to disrupt PLEC protein function. This variant has not been reported in the literature in individuals affected with PLEC-related conditions. This variant is present in population databases (no rsID available, gnomAD 0.0009%). This sequence change replaces threonine, which is neutral and polar, with methionine, which is neutral and non-polar, at codon 1357 of the PLEC protein (p.Thr1357Met).

NM_201384.3(PLEC):c.3989C>T (p.Thr1330Met)

Gene: PLEC (plectin; minus strand). Cytogenetic location: 8q24.3.
Variant type: single nucleotide variant.
Coding change: c.3989C>T on transcript NM_201384.3 (MANE Select); coding-DNA position 3989, C replaced by T.
Protein change: p.Thr1330Met; replaces threonine 1330 with methionine.
Molecular consequence: missense variant.
Genome position (GRCh38, 1-based): chr8:143,926,839, G>A on the plus strand (C>T on the coding strand, the complement: PLEC is on the minus strand). VCF-style: chr8-143926839-G-A. GRCh37 (hg19) VCF-style: chr8-145001007-G-A.
Other names: p.Thr1357Met; c.4070C>T (NM_000445.3); c.3989C>T, p.Thr1330Met (NM_201382.4); c.4001C>T, p.Thr1334Met (NM_201383.3); c.4070C>T, p.Thr1357Met (NM_000445.5, NM_001410941.1); c.3947C>T, p.Thr1316Met (NM_201378.4); c.3923C>T, p.Thr1308Met (NM_201379.3); c.4400C>T, p.Thr1467Met (NM_201380.4); and 1 more; short protein forms T1316M, T1308M, T1330M, T1298M, T1334M, T1357M, T1467M.
Identifiers: ClinVar variation 2927832 (VCV002927832.5), dbSNP rs782224461, ClinGen allele CA372563262.
Genomic context (GRCh38, chr8:143,926,839, plus strand): 5'-TGTACCTCCTCCTCCTCCATGCGCCGCAGAGTCTCGCTGATGAACTTGATGTACTGGCTC[G>A]TCAGTGTGGTCAGCTCGCTGTAGTGCGTACGCAGGTCCACGTACTGTGGAGTAGAGCCAG-3'
Protein context (NP_958786.1, residues 1320-1340): RTHYSELTTL[Thr1330Met]SQYIKFISET